The following is an entry in ClinVar:

NM_001267550.2(TTN):c.66815T>C (p.Ile22272Thr)

Genes: TTN-AS1 (TTN antisense RNA 1; plus strand), TTN (titin; minus strand). Cytogenetic location: 2q31.2.
Variant type: single nucleotide variant.
Coding change: c.66815T>C on transcript NM_001267550.2 (MANE Select); coding-DNA position 66815, T replaced by C.
Protein change: p.Ile22272Thr; replaces isoleucine 22272 with threonine.
Molecular consequence: missense variant.
Genome position (GRCh38, 1-based): chr2:178,580,564, A>G on the plus strand (T>C on the coding strand, the complement: TTN is on the minus strand). VCF-style: chr2-178580564-A-G. GRCh37 (hg19) VCF-style: chr2-179445291-A-G.
Other names: c.61892T>C, p.Ile20631Thr (NM_001256850.1); c.39620T>C, p.Ile13207Thr (NM_003319.4); c.59111T>C, p.Ile19704Thr (NM_133378.4); c.39995T>C, p.Ile13332Thr (NM_133432.3); c.40196T>C, p.Ile13399Thr (NM_133437.4); short protein forms I13332T, I20631T, I13207T, I13399T, I19704T, I22272T.
Identifiers: ClinVar variation 808961 (VCV000808961.20), dbSNP rs773998250, ClinGen allele CA1991422.

ClinVar aggregate classification (germline): Uncertain significance. Review status: criteria provided, multiple submitters, no conflicts (2 of 4 stars). 3 submissions from 3 submitters: Uncertain significance (3). Last evaluated 2026-06-25.

Conditions:
Cardiovascular phenotype. Identifiers: MedGen CN230736.
TTN-related disorder. Also called: TTN-related disorders; TTN-related condition; TTN-related disease.

Allele frequency attached by ClinVar (database versions not stated): gnomAD exomes 0.00001 and 0.00002; ExAC 0.00002; gnomAD 0.00002; TOPMed 0.00003.
gnomAD v4.1: 24 of 1,612,318 alleles (0.0015%); highest among the groups gnomAD compares: Non-Finnish European, 0.0017%; no homozygotes.

Submissions (3):

PreventionGenetics, part of Exact Sciences
Classification: Uncertain significance for TTN-related condition. Last evaluated: 2026-06-25. Review status: criteria provided, single submitter. Criteria: ACMG Guidelines, 2015. Collection method: clinical testing. Allele origin: germline.
Comment: The TTN c.66815T>C variant is predicted to result in the amino acid substitution p.Ile22272Thr. To our knowledge, this variant has not been reported in the literature. This variant is reported in 0.0036% of alleles in individuals of European (Non-Finnish) descent in gnomAD. At this time, the clinical significance of this variant is uncertain due to the absence of conclusive functional and genetic evidence.

Mayo Clinic Laboratories, Mayo Clinic
Classification: Uncertain significance. Last evaluated: 2020-02-24. Review status: criteria provided, single submitter. Criteria: ACMG Guidelines, 2015. Collection method: clinical testing. Allele origin: germline. Observed: 1 variant allele.

Ambry Genetics
Classification: Uncertain significance for Cardiovascular phenotype. Last evaluated: 2019-03-28. Review status: criteria provided, single submitter. Criteria: Ambry Variant Classification Scheme 2023. Collection method: clinical testing. Allele origin: germline.
Comment: The p.I13207T variant (also known as c.39620T>C), located in coding exon 144 of the TTN gene, results from a T to C substitution at nucleotide position 39620. The isoleucine at codon 13207 is replaced by threonine, an amino acid with similar properties. This amino acid position is not well conserved in available vertebrate species. In addition, this alteration is predicted to be tolerated by in silico analysis. Since supporting evidence is limited at this time, the clinical significance of this alteration remains unclear.